The following is an entry in ClinVar:

ClinVar aggregate classification (germline): Pathogenic (1 of 4 stars; one submission).

Conditions:
Inborn genetic diseases. Identifiers: MedGen C0950123, MeSH D030342.

Submission:

Ambry Genetics
Classification: Pathogenic for Inborn genetic diseases. Last evaluated: 2024-02-06. Review status: criteria provided, single submitter. Criteria: Ambry Variant Classification Scheme 2023. Collection method: clinical testing. Allele origin: germline.
Comment: The c.3474dupT (p.V1159Cfs*7) alteration, located in exon 6 (coding exon 1) of the AHDC1 gene, consists of a duplication of T at position 3474, causing a translational frameshift with a predicted alternate stop codon after 7 amino acids. This alteration is expected to result in loss of function by premature protein truncation or nonsense-mediated mRNA decay. This variant was not reported in population-based cohorts in the Genome Aggregation Database (gnomAD). Based on the available evidence, this alteration is classified as pathogenic.

NM_001371928.1(AHDC1):c.3474dup (p.Val1159fs)

Gene: AHDC1 (AT-hook DNA binding motif containing 1; minus strand). Cytogenetic location: 1p36.11.
Variant type: Duplication.
Coding change: c.3474dup on transcript NM_001371928.1 (MANE Select); coding-DNA position 3474, one base duplicated (T; older notation c.3474dupT).
Protein change: p.Val1159fs; shifts the reading frame from valine 1159.
Molecular consequence: frameshift variant.
Genome position (GRCh38, 1-based): chr1:27,548,642, A duplicated on the plus strand (T on the coding strand, the reverse complement: AHDC1 is on the minus strand). VCF-style (leftmost placement, unchanged base first): chr1-27548641-C-CA. GRCh37 (hg19) VCF-style: chr1-27875152-C-CA.
Other names: c.3474dup, p.Val1159fs (NM_001029882.3); c.-570dup (NM_015699.1); short protein forms V1159fs.
Identifiers: ClinVar variation 3098282 (VCV003098282.1), dbSNP rs2521865105, ClinGen allele CA2825000917.